The following is an entry in ClinVar:

NM_003059.3(SLC22A4):c.1534G>A (p.Gly512Arg)

Genes: SLC22A4 (solute carrier family 22 member 4; plus strand), MIR3936HG (MIR3936 host gene; minus strand). Cytogenetic location: 5q31.1.
Variant type: single nucleotide variant.
Coding change: c.1534G>A on transcript NM_003059.3 (MANE Select); coding-DNA position 1534, G replaced by A.
Protein change: p.Gly512Arg; replaces glycine 512 with arginine.
Molecular consequence: missense variant.
Genome position (GRCh38, 1-based): chr5:132,340,654, G>A. VCF-style: chr5-132340654-G-A. GRCh37 (hg19) VCF-style: chr5-131676347-G-A.
Other names: short protein forms G512R.
Identifiers: ClinVar variation 4698672 (VCV004698672.1).
Genomic context (GRCh38, chr5:132,340,654, plus strand): 5'-GTCATGGGTAGTCTGACTGTCCTGATTGGAATCCTCACCCTTTTTTTCCCTGAAAGTTTG[G>A]GAATGACTCTTCCAGAAACCTTAGAGCAGATGCAGAAAGTGAAATGGTAAGTAGGACTTT-3'
Protein context (NP_003050.2, residues 502-522): ILTLFFPESL[Gly512Arg]MTLPETLEQM

ClinVar aggregate classification (germline): Uncertain significance (1 of 4 stars; one submission).

gnomAD v4.1: 1 of 1,613,988 alleles (0.000062%); highest among the groups gnomAD compares: Admixed American, 0.0017%; no homozygotes.

Submission:

Labcorp Genetics (formerly Invitae), Labcorp
Classification: Uncertain significance. Last evaluated: 2025-12-15. Review status: criteria provided, single submitter. Criteria: Invitae Variant Classification Sherloc (09022015). Collection method: clinical testing. Allele origin: germline.
Comment: This sequence change replaces glycine, which is neutral and non-polar, with arginine, which is basic and polar, at codon 512 of the SLC22A4 protein (p.Gly512Arg). This variant is present in population databases (no rsID available, gnomAD 0.003%). This variant has not been reported in the literature in individuals affected with SLC22A4-related conditions. Invitae Evidence Modeling of protein sequence and biophysical properties (such as structural, functional, and spatial information, amino acid conservation, physicochemical variation, residue mobility, and thermodynamic stability) indicates that this missense variant is not expected to disrupt SLC22A4 protein function with a negative predictive value of 80%. In summary, the available evidence is currently insufficient to determine the role of this variant in disease. Therefore, it has been classified as a Variant of Uncertain Significance.